The following is an entry in ClinVar:

NM_006282.5(STK4):c.1207G>A (p.Glu403Lys)

Gene: STK4 (serine/threonine kinase 4; plus strand). Cytogenetic location: 20q13.12.
Variant type: single nucleotide variant.
Coding change: c.1207G>A on transcript NM_006282.5 (MANE Select); coding-DNA position 1207, G replaced by A.
Protein change: p.Glu403Lys; replaces glutamic acid 403 with lysine.
Molecular consequence: missense variant.
Genome position (GRCh38, 1-based): chr20:45,025,032, G>A. VCF-style: chr20-45025032-G-A. GRCh37 (hg19) VCF-style: chr20-43653673-G-A.
Other names: c.1207G>A, p.Glu403Lys (NM_001352385.2); short protein forms E403K.
Identifiers: ClinVar variation 2632307 (VCV002632307.1), dbSNP rs1336347884, ClinGen allele CA409129994.

ClinVar aggregate classification (germline): Uncertain significance (1 of 4 stars; one submission).

Conditions:
STK4-related disorder. Also called: STK4-related condition.

Allele frequency attached by ClinVar (database versions not stated): gnomAD 0.00001.
gnomAD v4.1: 1 of 1,613,222 alleles (0.000062%); highest among the groups gnomAD compares: East Asian, 0.0022%; no homozygotes.

Submission:

PreventionGenetics, part of Exact Sciences
Classification: Uncertain significance for STK4-related condition. Last evaluated: 2023-06-02. Review status: criteria provided, single submitter. Criteria: ACMG Guidelines, 2015. Collection method: clinical testing. Allele origin: germline.
Comment: The STK4 c.1207G>A variant is predicted to result in the amino acid substitution p.Glu403Lys. To our knowledge, this variant has not been reported in the literature. This variant is reported in 0.064% of alleles in individuals of East Asian descent in gnomAD. At this time, the clinical significance of this variant is uncertain due to the absence of conclusive functional and genetic evidence.